The following is an entry in ClinVar:

NM_181507.2(HPS5):c.220-1G>A

Gene: HPS5 (HPS5 biogenesis of lysosomal organelles complex 2 subunit 2; minus strand). Cytogenetic location: 11p15.1.
Variant type: single nucleotide variant.
Coding change: c.220-1G>A on transcript NM_181507.2 (MANE Select); the canonical splice acceptor site of the intron before coding-DNA position 220, G replaced by A.
Molecular consequence: splice acceptor variant.
Genome position (GRCh38, 1-based): chr11:18,311,452, C>T on the plus strand (G>A on the coding strand, the complement: HPS5 is on the minus strand). VCF-style: chr11-18311452-C-T. GRCh37 (hg19) VCF-style: chr11-18332999-C-T.
Other names: c.-123-1G>A (NM_001440929.1, NM_181508.2, NM_001440921.1 and 10 more transcripts); c.109-1G>A (NM_001440915.1, NM_001440914.1, NM_001440913.1); c.220-1G>A (NM_001440931.1, NM_001440917.1, NM_001440906.1 and 6 more transcripts); c.145-1G>A (NM_001440907.1, NM_001440909.1, NM_001440908.1); c.34-1G>A (NM_001440918.1).
Identifiers: ClinVar variation 3723422 (VCV003723422.2).

ClinVar aggregate classification (germline): Pathogenic (1 of 4 stars; one submission).

Submission:

Labcorp Genetics (formerly Invitae), Labcorp
Classification: Pathogenic. Last evaluated: 2024-10-21. Review status: criteria provided, single submitter. Criteria: Invitae Variant Classification Sherloc (09022015). Collection method: clinical testing. Allele origin: germline.
Comment: This sequence change affects an acceptor splice site in intron 3 of the HPS5 gene. It is expected to disrupt RNA splicing. Variants that disrupt the donor or acceptor splice site typically lead to a loss of protein function (PMID: 16199547), and loss-of-function variants in HPS5 are known to be pathogenic (PMID: 12548288, 15296495, 21833017, 26785811). This variant is not present in population databases (gnomAD no frequency). Disruption of this splice site has been observed in individual(s) with clinical features of Hermansky-Pudlak syndrome (internal data). Algorithms developed to predict the effect of sequence changes on RNA splicing suggest that this variant may disrupt the consensus splice site. For these reasons, this variant has been classified as Pathogenic.

Literature cited by the submitters: PubMed 16199547; PubMed 12548288; PubMed 15296495; PubMed 21833017; PubMed 26785811.